The following is an entry in ClinVar:

ClinVar aggregate classification (germline): Uncertain significance (1 of 4 stars; one submission).

Conditions:
Epidermolysis bullosa simplex with nail dystrophy (EBS5D). Identifiers: MedGen C4225309, MONDO:0014661, OMIM 616487.
Epidermolysis bullosa simplex, Ogna type (EBS5A). Also called: Pidermolysis bullosa simplex 5A, Ogna type; EPIDERMOLYSIS BULLOSA SIMPLEX 5A, OGNA TYPE. Identifiers: Orphanet 79401, MedGen C0432317, MONDO:0007555, OMIM 131950.
Autosomal recessive limb-girdle muscular dystrophy type 2Q (LGMDR17). Also called: MUSCULAR DYSTROPHY, LIMB-GIRDLE, AUTOSOMAL RECESSIVE 17. Identifiers: Orphanet 254361, MedGen C3150989, MONDO:0013390, OMIM 613723.
Epidermolysis bullosa simplex 5C, with pyloric atresia (EBS5C). Also called: PLEC-Related Epidermolysis Bullosa with Pyloric Atresia; Epidermolysis bullosa simplex with pyloric atresia; PLEC1-Related Epidermolysis Bullosa with Pyloric Atresia. Identifiers: Orphanet 158684, MedGen C2677349, MONDO:0012807, OMIM 612138.
Epidermolysis bullosa simplex 5B, with muscular dystrophy (EBS5B). Also called: EPIDERMOLYSIS BULLOSA SIMPLEX AND LIMB-GIRDLE MUSCULAR DYSTROPHY; Epidermolysis bullosa simplex with muscular dystrophy. Identifiers: Orphanet 257, MedGen C2931072, MONDO:0009181, OMIM 226670.

Allele frequency attached by ClinVar (database versions not stated): TOPMed below 0.00001; gnomAD exomes 0.00001.
gnomAD v4.1: 15 of 1,578,816 alleles (0.00095%); highest among the groups gnomAD compares: Non-Finnish European, 0.0012%; no homozygotes.

Submission:

Labcorp Genetics (formerly Invitae), Labcorp
Classification: Uncertain significance for Autosomal recessive limb-girdle muscular dystrophy type 2Q; Epidermolysis bullosa simplex, Ogna type; Epidermolysis bullosa simplex with nail dystrophy; Epidermolysis bullosa simplex 5C, with pyloric atresia; Epidermolysis bullosa simplex 5B, with muscular dystrophy. Last evaluated: 2024-02-17. Review status: criteria provided, single submitter. Criteria: Invitae Variant Classification Sherloc (09022015). Collection method: clinical testing. Allele origin: germline.
Comment: This sequence change replaces threonine, which is neutral and polar, with alanine, which is neutral and non-polar, at codon 4536 of the PLEC protein (p.Thr4536Ala). This variant is not present in population databases (gnomAD no frequency). This variant has not been reported in the literature in individuals affected with PLEC-related conditions. ClinVar contains an entry for this variant (Variation ID: 471545). Advanced modeling of protein sequence and biophysical properties (such as structural, functional, and spatial information, amino acid conservation, physicochemical variation, residue mobility, and thermodynamic stability) performed at Invitae indicates that this missense variant is not expected to disrupt PLEC protein function with a negative predictive value of 80%. In summary, the available evidence is currently insufficient to determine the role of this variant in disease. Therefore, it has been classified as a Variant of Uncertain Significance.

NM_201384.3(PLEC):c.13525A>G (p.Thr4509Ala)

Gene: PLEC (plectin; minus strand). Cytogenetic location: 8q24.3.
Variant type: single nucleotide variant.
Coding change: c.13525A>G on transcript NM_201384.3 (MANE Select); coding-DNA position 13525, A replaced by G.
Protein change: p.Thr4509Ala; replaces threonine 4509 with alanine.
Molecular consequence: missense variant.
Genome position (GRCh38, 1-based): chr8:143,916,296, T>C on the plus strand (A>G on the coding strand, the complement: PLEC is on the minus strand). VCF-style: chr8-143916296-T-C. GRCh37 (hg19) VCF-style: chr8-144990464-T-C.
Other names: c.13606A>G, p.Thr4536Ala (NM_000445.5); c.13483A>G, p.Thr4495Ala (NM_201378.4); c.13459A>G, p.Thr4487Ala (NM_201379.3); c.13936A>G, p.Thr4646Ala (NM_201380.4); c.13429A>G, p.Thr4477Ala (NM_201381.3); c.13525A>G, p.Thr4509Ala (NM_201382.4); c.13537A>G, p.Thr4513Ala (NM_201383.3); short protein forms T4487A, T4509A, T4513A, T4536A, T4477A, T4495A, T4646A.
Identifiers: ClinVar variation 471545 (VCV000471545.9), dbSNP rs1554668550, ClinGen allele CA372473974.